The following is an entry in ClinVar:

NM_013275.6(ANKRD11):c.3835dup (p.Ser1279fs)

Gene: ANKRD11 (ankyrin repeat domain 11; minus strand). Cytogenetic location: 16q24.3.
Variant type: Duplication.
Coding change: c.3835dup on transcript NM_013275.6 (MANE Select); coding-DNA position 3835, one base duplicated (A; older notation c.3835dupA).
Protein change: p.Ser1279fs; shifts the reading frame from serine 1279.
Molecular consequence: frameshift variant.
Genome position (GRCh38, 1-based): chr16:89,282,707, T duplicated on the plus strand (A on the coding strand, the reverse complement: ANKRD11 is on the minus strand); the first of 6 consecutive T bases (chr16:89,282,707-89,282,712); duplicating any one gives the same sequence. VCF-style (leftmost placement, unchanged base first): chr16-89282706-C-CT. GRCh37 (hg19) VCF-style: chr16-89349114-C-CT.
Other names: c.3835dup, p.Ser1279fs (NM_001256182.2, NM_001256183.2); c.3835dup (NM_013275.5); short protein forms S1279fs.
Identifiers: ClinVar variation 2503465 (VCV002503465.2), dbSNP rs2544235417, ClinGen allele CA2586963945.

ClinVar aggregate classification (germline): Pathogenic. Review status: criteria provided, multiple submitters, no conflicts (2 of 4 stars). 2 submissions from 2 submitters: Pathogenic (2). Last evaluated 2024-05-20.

Conditions:
KBG syndrome (KBGS). Also called: ANKRD11-Related KBG Syndrome. Identifiers: Orphanet 2332, MedGen C0220687, MONDO:0007846, OMIM 148050.

Submissions (2):

GeneDx
Classification: Pathogenic. Last evaluated: 2024-05-20. Review status: criteria provided, single submitter. Criteria: GeneDx Variant Classification Process June 2021. Collection method: clinical testing. Allele origin: germline. Affected: yes.
Comment: Frameshift variant predicted to result in protein truncation or nonsense mediated decay in a gene for which loss of function is a known mechanism of disease; Not observed at significant frequency in large population cohorts (gnomAD); This variant is associated with the following publications: (PMID: 35861666)

Medical Genetics Unit, Azienda USL-IRCCS di Reggio Emilia
Classification: Pathogenic for KBG syndrome. Last evaluated: 2022-07-27. Review status: criteria provided, single submitter. Criteria: ACMG Guidelines, 2015. Collection method: clinical testing. Allele origin: de novo. Affected: yes. Observed: 1 variant allele.
Comment: ACMG/AMP: PVS1,PS2,PM2